The following is an entry in ClinVar:

NM_002180.3(IGHMBP2):c.2771A>C (p.His924Pro)

Gene: IGHMBP2 (immunoglobulin mu DNA binding protein 2; plus strand). Cytogenetic location: 11q13.3.
Variant type: single nucleotide variant.
Coding change: c.2771A>C on transcript NM_002180.3 (MANE Select); coding-DNA position 2771, A replaced by C.
Protein change: p.His924Pro; replaces histidine 924 with proline.
Molecular consequence: missense variant.
Genome position (GRCh38, 1-based): chr11:68,938,341, A>C. VCF-style: chr11-68938341-A-C. GRCh37 (hg19) VCF-style: chr11-68705809-A-C.
Other names: short protein forms H924P.
Identifiers: ClinVar variation 577190 (VCV000577190.9), dbSNP rs1566448570, ClinGen allele CA381654537.

ClinVar aggregate classification (germline): Uncertain significance (1 of 4 stars; one submission).

Conditions:
Charcot-Marie-Tooth disease axonal type 2S. Also called: CHARCOT-MARIE-TOOTH NEUROPATHY, TYPE 2S; CHARCOT-MARIE-TOOTH DISEASE, AXONAL, AUTOSOMAL RECESSIVE, TYPE 2S. Identifiers: Orphanet 443073, MedGen C4015349, MONDO:0014511, OMIM 616155.
Autosomal recessive distal spinal muscular atrophy 1. Also called: SEVERE INFANTILE AXONAL NEUROPATHY WITH RESPIRATORY FAILURE; SPINAL MUSCULAR ATROPHY, DIAPHRAGMATIC; Spinal muscular atrophy with respiratory distress 1; HMN VI; NEURONOPATHY, SEVERE INFANTILE AXONAL, WITH RESPIRATORY FAILURE; NEURONOPATHY, DISTAL HEREDITARY MOTOR, HARDING TYPE VI. Identifiers: Orphanet 98920, MedGen C1858517, MONDO:0011436, OMIM 604320.

Allele frequency attached by ClinVar (database versions not stated): gnomAD exomes below 0.00001.
gnomAD v4.1: 1 of 1,610,496 alleles (0.000062%); highest among the groups gnomAD compares: Non-Finnish European, 0.000085%; no homozygotes.

Submission:

Labcorp Genetics (formerly Invitae), Labcorp
Classification: Uncertain significance for Autosomal recessive distal spinal muscular atrophy 1; Charcot-Marie-Tooth disease axonal type 2S. Last evaluated: 2021-12-23. Review status: criteria provided, single submitter. Criteria: Invitae Variant Classification Sherloc (09022015). Collection method: clinical testing. Allele origin: germline.
Comment: This sequence change replaces histidine, which is basic and polar, with proline, which is neutral and non-polar, at codon 924 of the IGHMBP2 protein (p.His924Pro). This variant is not present in population databases (gnomAD no frequency). This variant has not been reported in the literature in individuals affected with IGHMBP2-related conditions. ClinVar contains an entry for this variant (Variation ID: 577190). Advanced modeling of protein sequence and biophysical properties (such as structural, functional, and spatial information, amino acid conservation, physicochemical variation, residue mobility, and thermodynamic stability) performed at Invitae indicates that this missense variant is expected to disrupt IGHMBP2 protein function. In summary, the available evidence is currently insufficient to determine the role of this variant in disease. Therefore, it has been classified as a Variant of Uncertain Significance.